The following is an entry in ClinVar:

ClinVar aggregate classification (germline): Uncertain significance. Review status: criteria provided, multiple submitters, no conflicts (2 of 4 stars). 2 submissions from 2 submitters: Uncertain significance (2). Last evaluated 2025-01-18.

Conditions:
Immunodeficiency 39 (IMD39). Identifiers: Orphanet 574918, MedGen C4225358, MONDO:0014597, OMIM 616345.

Allele frequency attached by ClinVar (database versions not stated): ExAC 0.00003; gnomAD 0.00011.
gnomAD v4.1: 22 of 1,611,620 alleles (0.0014%); highest among the groups gnomAD compares: African/African-American, 0.029%; no homozygotes.

Submissions (2):

Ambry Genetics
Classification: Uncertain significance. Last evaluated: 2025-01-18. Review status: criteria provided, single submitter. Criteria: Ambry Variant Classification Scheme 2023. Collection method: clinical testing. Allele origin: germline.

Labcorp Genetics (formerly Invitae), Labcorp
Classification: Uncertain significance for Immunodeficiency 39. Last evaluated: 2023-10-07. Review status: criteria provided, single submitter. Criteria: Invitae Variant Classification Sherloc (09022015). Collection method: clinical testing. Allele origin: germline.
Comment: This sequence change replaces cysteine, which is neutral and slightly polar, with tryptophan, which is neutral and slightly polar, at codon 237 of the IRF7 protein (p.Cys237Trp). This variant is present in population databases (rs781365327, gnomAD 0.03%). This variant has not been reported in the literature in individuals affected with IRF7-related conditions. Advanced modeling of protein sequence and biophysical properties (such as structural, functional, and spatial information, amino acid conservation, physicochemical variation, residue mobility, and thermodynamic stability) performed at Invitae indicates that this missense variant is not expected to disrupt IRF7 protein function. In summary, the available evidence is currently insufficient to determine the role of this variant in disease. Therefore, it has been classified as a Variant of Uncertain Significance.

NM_001572.5(IRF7):c.672T>G (p.Cys224Trp)

Gene: IRF7 (interferon regulatory factor 7; minus strand). Cytogenetic location: 11p15.5.
Variant type: single nucleotide variant.
Coding change: c.672T>G on transcript NM_001572.5 (MANE Select); coding-DNA position 672, T replaced by G.
Protein change: p.Cys224Trp; replaces cysteine 224 with tryptophan.
Molecular consequence: missense variant.
Genome position (GRCh38, 1-based): chr11:614,181, A>C on the plus strand (T>G on the coding strand, the complement: IRF7 is on the minus strand). VCF-style: chr11-614181-A-C. GRCh37 (hg19) VCF-style: chr11-614181-A-C.
Other names: c.711T>G (NM_004031.2); c.672T>G, p.Cys224Trp (NM_004029.4); c.711T>G, p.Cys237Trp (NM_004031.4); short protein forms C237W, C224W.
Identifiers: ClinVar variation 2714150 (VCV002714150.4), dbSNP rs781365327, ClinGen allele CA5783872.
Genomic context (GRCh38, chr11:614,181, plus strand): 5'-TCCAGGTGCACTGGCCCCTCCCGCGCTCCCCCCCTCCCCGGGCACGCCCACACCTCCAGC[A>C]CAGGCCCCAGTCAGGGGAAGCCCTTCTTGTCCCTCTCCAGGAGCCTTGGTTGGGACTGGA-3'
Protein context (NP_001563.2, residues 214-234): GQEGLPLTGA[Cys224Trp]AGGPGLPAGE